The following is an entry in ClinVar:

ClinVar aggregate classification (germline): Uncertain significance (1 of 4 stars; one submission).

Conditions:
5-Oxoprolinase deficiency (OPLAHD). Also called: 5-OXOPROLINURIA DUE TO 5-OXOPROLINASE DEFICIENCY. Identifiers: Orphanet 33572, MedGen C0268525, MONDO:0009825, OMIM 260005, HP:0040142.

Allele frequency attached by ClinVar (database versions not stated): TOPMed 0.00001.

Submission:

Labcorp Genetics (formerly Invitae), Labcorp
Classification: Uncertain significance for 5-Oxoprolinase deficiency. Last evaluated: 2022-07-25. Review status: criteria provided, single submitter. Criteria: Invitae Variant Classification Sherloc (09022015). Collection method: clinical testing. Allele origin: germline.
Comment: In summary, the available evidence is currently insufficient to determine the role of this variant in disease. Therefore, it has been classified as a Variant of Uncertain Significance. Algorithms developed to predict the effect of sequence changes on RNA splicing suggest that this variant may create or strengthen a splice site. This variant has not been reported in the literature in individuals affected with OPLAH-related conditions. This variant is not present in population databases (gnomAD no frequency). This sequence change replaces glycine, which is neutral and non-polar, with serine, which is neutral and polar, at codon 155 of the OPLAH protein (p.Gly155Ser).

NM_017570.5(OPLAH):c.463G>A (p.Gly155Ser)

Gene: OPLAH (5-oxoprolinase, ATP-hydrolysing; minus strand). Cytogenetic location: 8q24.3.
Variant type: single nucleotide variant.
Coding change: c.463G>A on transcript NM_017570.5 (MANE Select); coding-DNA position 463, G replaced by A.
Protein change: p.Gly155Ser; replaces glycine 155 with serine.
Molecular consequence: missense variant.
Genome position (GRCh38, 1-based): chr8:144,058,980, C>T on the plus strand (G>A on the coding strand, the complement: OPLAH is on the minus strand). VCF-style: chr8-144058980-C-T. GRCh37 (hg19) VCF-style: chr8-145113883-C-T.
Other names: short protein forms G155S.
Identifiers: ClinVar variation 2179856 (VCV002179856.4), dbSNP rs1323157532, ClinGen allele CA372573107.